The following is an entry in ClinVar:

NM_001330260.2(SCN8A):c.5491G>A (p.Ala1831Thr)

Gene: SCN8A (sodium voltage-gated channel alpha subunit 8; plus strand). Cytogenetic location: 12q13.13.
Variant type: single nucleotide variant.
Coding change: c.5491G>A on transcript NM_001330260.2 (MANE Select); coding-DNA position 5491, G replaced by A.
Protein change: p.Ala1831Thr; replaces alanine 1831 with threonine.
Molecular consequence: missense variant.
Genome position (GRCh38, 1-based): chr12:51,806,977, G>A. VCF-style: chr12-51806977-G-A. GRCh37 (hg19) VCF-style: chr12-52200761-G-A.
Other names: c.5368G>A, p.Ala1790Thr (NM_001177984.3, NM_001369788.1); c.5491G>A, p.Ala1831Thr (NM_014191.4); short protein forms A1831T, A1790T.
Identifiers: ClinVar variation 582453 (VCV000582453.7), dbSNP rs767305170, ClinGen allele CA6571925.
Genomic context (GRCh38, chr12:51,806,977, plus strand): 5'-TTTGCAGATGCCTTGGAGCATCCTCTCCGAGTGCCCAAGCCCAATACCATTGAGCTCATC[G>A]CTATGGATCTGCCAATGGTGAGCGGGGATCGCATCCACTGCTTGGACATCCTTTTTGCCT-3'
Protein context (NP_001317189.1, residues 1821-1841): VPKPNTIELI[Ala1831Thr]MDLPMVSGDR

ClinVar aggregate classification (germline): Uncertain significance (1 of 4 stars; one submission).

Conditions:
Early-infantile DEE. Also called: Early infantile epileptic encephalopathy with suppression bursts; Early infantile epileptic encephalopathy; Ohtahara syndrome. Identifiers: Orphanet 1934, MedGen C0393706, MONDO:0800491.

Allele frequency attached by ClinVar (database versions not stated): gnomAD exomes below 0.00001 and 0.00001; TOPMed below 0.00001; gnomAD 0.00001; ExAC 0.00002.
gnomAD v4.1: 8 of 1,613,874 alleles (0.0005%); highest among the groups gnomAD compares: Admixed American, 0.0017%; no homozygotes.

Submission:

Labcorp Genetics (formerly Invitae), Labcorp
Classification: Uncertain significance for Early-infantile DEE. Last evaluated: 2026-01-19. Review status: criteria provided, single submitter. Criteria: Invitae Variant Classification Sherloc (09022015). Collection method: clinical testing. Allele origin: germline.
Comment: This sequence change replaces alanine, which is neutral and non-polar, with threonine, which is neutral and polar, at codon 1831 of the SCN8A protein (p.Ala1831Thr). This variant is present in population databases (rs767305170, gnomAD 0.004%). This variant has not been reported in the literature in individuals affected with SCN8A-related conditions. ClinVar contains an entry for this variant (Variation ID: 582453). Invitae Evidence Modeling of protein sequence and biophysical properties (such as structural, functional, and spatial information, amino acid conservation, physicochemical variation, residue mobility, and thermodynamic stability) indicates that this missense variant is not expected to disrupt SCN8A protein function with a negative predictive value of 95%. In summary, the available evidence is currently insufficient to determine the role of this variant in disease. Therefore, it has been classified as a Variant of Uncertain Significance.